The following is an entry in ClinVar:

ClinVar aggregate classification (germline): Uncertain significance (1 of 4 stars; one submission).

Submission:

GeneDx
Classification: Uncertain significance. Last evaluated: 2021-05-21. Review status: criteria provided, single submitter. Criteria: GeneDx Variant Classification Process June 2021. Collection method: clinical testing. Allele origin: germline. Affected: yes.
Comment: Not observed in large population cohorts (Lek et al., 2016); In silico analysis supports that this missense variant has a deleterious effect on protein structure/function; Has not been previously published as pathogenic or benign to our knowledge

NM_015557.3(CHD5):c.3517G>T (p.Val1173Leu)

Gene: CHD5 (chromodomain helicase DNA binding protein 5; minus strand). Cytogenetic location: 1p36.31.
Variant type: single nucleotide variant.
Coding change: c.3517G>T on transcript NM_015557.3 (MANE Select); coding-DNA position 3517, G replaced by T.
Protein change: p.Val1173Leu; replaces valine 1173 with leucine.
Molecular consequence: missense variant.
Genome position (GRCh38, 1-based): chr1:6,128,940, C>A on the plus strand (G>T on the coding strand, the complement: CHD5 is on the minus strand). VCF-style: chr1-6128940-C-A. GRCh37 (hg19) VCF-style: chr1-6189000-C-A.
Other names: short protein forms V1173L.
Identifiers: ClinVar variation 1326174 (VCV001326174.2), dbSNP rs2100846406, ClinGen allele CA338076085.